The following is an entry in ClinVar:

NM_018896.5(CACNA1G):c.3616G>A (p.Gly1206Arg)

Gene: CACNA1G (calcium voltage-gated channel subunit alpha1 G; plus strand). Cytogenetic location: 17q21.33.
Variant type: single nucleotide variant.
Coding change: c.3616G>A on transcript NM_018896.5 (MANE Select); coding-DNA position 3616, G replaced by A.
Protein change: p.Gly1206Arg; replaces glycine 1206 with arginine.
Molecular consequence: missense variant. On other transcripts: non-coding transcript variant (5).
Genome position (GRCh38, 1-based): chr17:50,599,785, G>A. VCF-style: chr17-50599785-G-A. GRCh37 (hg19) VCF-style: chr17-48677146-G-A.
Other names: c.3616G>A, p.Gly1206Arg (NM_001256324.2, NM_001256325.2, NM_001256326.2 and 16 more transcripts); c.3547G>A, p.Gly1183Arg (NM_001256332.2, NM_198376.3, NM_198379.3 and 5 more transcripts); short protein forms G1183R, G1206R.
Identifiers: ClinVar variation 2572753 (VCV002572753.1), dbSNP rs746277206, ClinGen allele CA8652757.

ClinVar aggregate classification (germline): Uncertain significance (1 of 4 stars; one submission).

Allele frequency attached by ClinVar (database versions not stated): gnomAD exomes below 0.00001; ExAC 0.00001; gnomAD 0.00001; TOPMed 0.00001.
gnomAD v4.1: 3 of 1,613,086 alleles (0.00019%); highest among the groups gnomAD compares: African/African-American, 0.004%; no homozygotes.

Submission:

GeneDx
Classification: Uncertain significance. Last evaluated: 2023-07-11. Review status: criteria provided, single submitter. Criteria: GeneDx Variant Classification Process June 2021. Collection method: clinical testing. Allele origin: germline. Affected: yes.
Comment: Not observed at significant frequency in large population cohorts (gnomAD); In silico analysis supports that this missense variant does not alter protein structure/function; Has not been previously published as pathogenic or benign to our knowledge